The following is an entry in ClinVar:

ClinVar aggregate classification (germline): Likely benign (1 of 4 stars; one submission).

Allele frequency attached by ClinVar (database versions not stated): gnomAD exomes 0.00001; TOPMed 0.00001; gnomAD 0.00004.
gnomAD v4.1: 11 of 1,574,234 alleles (0.0007%); highest among the groups gnomAD compares: Non-Finnish European, 0.00095%; no homozygotes.

Submission:

CeGaT Center for Human Genetics Tuebingen
Classification: Likely benign. Last evaluated: 2025-04-01. Review status: criteria provided, single submitter. Criteria: CeGaT Center For Human Genetics Tuebingen Variant Classification Criteria Version 2. Collection method: clinical testing. Allele origin: germline. Affected: yes. Observed: 2 variant alleles.
Comment: TCF4: BP4

NM_001083962.2(TCF4):c.305-150G>A

Gene: TCF4 (transcription factor 4; minus strand). Cytogenetic location: 18q21.2.
Variant type: single nucleotide variant.
Coding change: c.305-150G>A on transcript NM_001083962.2 (MANE Select); 150 bases into the intron before coding-DNA position 305, G replaced by A.
Molecular consequence: intron variant. On other transcripts: missense variant (2).
Genome position (GRCh38, 1-based): chr18:55,403,668, C>T on the plus strand (G>A on the coding strand, the complement: TCF4 is on the minus strand). VCF-style: chr18-55403668-C-T. GRCh37 (hg19) VCF-style: chr18-53070899-C-T.
Other names: c.47G>A, p.Cys16Tyr (NM_001243232.1, NM_001306208.1); c.611-150G>A (NM_001243226.3); c.233-150G>A (NM_001369584.1, NM_001369576.1, NM_001369577.1 and 15 more transcripts); c.305-150G>A (NM_001369571.1, NM_001369567.1, NM_001243228.2 and 8 more transcripts); c.299-150G>A (NM_001243230.2); c.179-150G>A (NM_001243231.2, NM_001348211.2); c.-83-150G>A (NM_001348212.2); c.-86-150G>A (NM_001348213.2, NM_001243233.2); short protein forms C16Y.
Identifiers: ClinVar variation 3250614 (VCV003250614.18), dbSNP rs910455708.